The following is an entry in ClinVar:

ClinVar aggregate classification (germline): Conflicting classifications of pathogenicity. Review status: criteria provided, conflicting classifications (1 of 4 stars). 5 submissions from 5 submitters: Uncertain significance (3); Likely benign (1). 1 of the submissions does not count toward it. Last evaluated 2026-09-11.

Conditions:
TTN-related disorder. Also called: TTN-related condition; TTN-related disease; TTN-related disorders.
Cardiovascular phenotype. Identifiers: MedGen CN230736.
Dilated cardiomyopathy 1G (CMD1G). Identifiers: Orphanet 154, MedGen C1858763, MONDO:0011400, OMIM 604145.
Autosomal recessive limb-girdle muscular dystrophy type 2J (LGMDR10). Also called: Limb-girdle muscular dystrophy, type 2J; MUSCULAR DYSTROPHY, LIMB-GIRDLE, AUTOSOMAL RECESSIVE 10. Identifiers: Orphanet 140922, MedGen C1837342, MONDO:0012127, OMIM 608807.
Cardiomyopathy (CMYO). Also called: Cardiomyopathies. Identifiers: Orphanet 167848, MedGen C0878544, MONDO:0004994, HP:0001638. Inheritance: Various modes of inheritance.

Allele frequency attached by ClinVar (database versions not stated): gnomAD exomes 0.00002; ExAC 0.00004; ESP Exome Variant Server 0.00016; gnomAD 0.00017 and 0.00021; TOPMed 0.00027.
gnomAD v4.1: 52 of 1,613,820 alleles (0.0032%); highest among the groups gnomAD compares: African/African-American, 0.064%; no homozygotes.

Submissions (5):

PreventionGenetics, part of Exact Sciences
Classification: Uncertain significance for TTN-related condition. Last evaluated: 2026-09-11. Review status: criteria provided, single submitter. Criteria: ACMG Guidelines, 2015. Collection method: clinical testing. Allele origin: germline.
Comment: The TTN c.105482C>A variant is predicted to result in the amino acid substitution p.Thr35161Asn. To our knowledge, this variant has not been reported in the literature. This variant is reported in 0.054% of alleles in individuals of African descent in gnomAD. Although we suspect that this variant may be benign, at this time, the clinical significance of this variant is uncertain due to the absence of conclusive functional and genetic evidence.

CHEO Genetics Diagnostic Laboratory, Children's Hospital of Eastern Ontario
Classification: Likely benign for Cardiomyopathy. Last evaluated: 2021-09-21. Review status: criteria provided, single submitter. Criteria: ACMG Guidelines, 2015. Collection method: clinical testing. Allele origin: germline.

Ambry Genetics
Classification: Uncertain significance for Cardiovascular phenotype. Last evaluated: 2018-08-15. Review status: criteria provided, single submitter. Criteria: Ambry Variant Classification Scheme 2023. Collection method: clinical testing. Allele origin: germline.
Comment: The p.T26096N variant (also known as c.78287C>A), located in coding exon 185 of the TTN gene, results from a C to A substitution at nucleotide position 78287. The threonine at codon 26096 is replaced by asparagine, an amino acid with similar properties. This amino acid position is well conserved in available vertebrate species. In addition, this alteration is predicted to be tolerated by in silico analysis. Since supporting evidence is limited at this time, the clinical significance of this alteration remains unclear.

Labcorp Genetics (formerly Invitae), Labcorp
Classification: Uncertain significance for Dilated cardiomyopathy 1G; Autosomal recessive limb-girdle muscular dystrophy type 2J. Last evaluated: 2017-04-10. Review status: criteria provided, single submitter. Criteria: Invitae Variant Classification Sherloc (09022015). Collection method: clinical testing. Allele origin: germline.

GeneDx
No classification provided. Last evaluated: 2013-07-12. Review status: no classification provided. Criteria: GeneDx Variant Classification (06012015). Collection method: clinical testing. Allele origin: germline. Affected: yes. Not counted in ClinVar's aggregate classification.
Comment: Missense variants in the TTN gene are considered 'unclassified' if they are not previously reported in the literature and do not have >1% frequency in the population to be considered a polymorphism. Research indicates that truncating mutations in the TTN gene are expected to account for approximately 25% of familial and 18% of sporadic idiopathic DCM; however, truncating variants in the TTN gene have been reported in approximately 3% of reported control alleles. There has been little investigation into non-truncating variants. (Herman D et al. Truncations of titin causing dilated cardiomyopathy. N Eng J Med 366:619-628, 2012) The variant is found in DCM panel(s).

NM_001267550.2(TTN):c.105482C>A (p.Thr35161Asn)

Genes: TTN (titin; minus strand), TTN-AS1 (TTN antisense RNA 1; plus strand). Cytogenetic location: 2q31.2.
Variant type: single nucleotide variant.
Coding change: c.105482C>A on transcript NM_001267550.2 (MANE Select); coding-DNA position 105482, C replaced by A.
Protein change: p.Thr35161Asn; replaces threonine 35161 with asparagine.
Molecular consequence: missense variant.
Genome position (GRCh38, 1-based): chr2:178,531,133, G>T on the plus strand (C>A on the coding strand, the complement: TTN is on the minus strand). VCF-style: chr2-178531133-G-T. GRCh37 (hg19) VCF-style: chr2-179395860-G-T.
Other names: p.T33520N:ACC>AAC; c.100559C>A, p.Thr33520Asn (NM_001256850.1); c.78287C>A, p.Thr26096Asn (NM_003319.4); c.97778C>A, p.Thr32593Asn (NM_133378.4); c.78662C>A, p.Thr26221Asn (NM_133432.3); c.78863C>A, p.Thr26288Asn (NM_133437.4); short protein forms T33520N, T35161N, T26221N, T26096N, T26288N, T32593N.
Identifiers: ClinVar variation 203097 (VCV000203097.8), dbSNP rs372263729, ClinGen allele CA311229.
Genomic context (GRCh38, chr2:178,531,133, plus strand): 5'-TTTGTGGTGGTCACTTGGTGGCGGGCAGAAGTACTTAGCACTTGTCCTTTACGCAGCCAG[G>T]TCACAGTTGGTACCGGCTCACCATCGGTGTCACAAGAAAACCTTGCAGACTCGCCCTCGT-3'
Protein context (NP_001254479.2, residues 35151-35171): DTDGEPVPTV[Thr35161Asn]WLRKGQVLST